The following is an entry in ClinVar:

ClinVar aggregate classification (germline): Likely pathogenic (1 of 4 stars; one submission).

gnomAD v4.1: 2 of 1,209,693 alleles (0.00017%); highest among the groups gnomAD compares: South Asian, 0.0018%; no homozygotes.

Submission:

GeneDx
Classification: Likely pathogenic. Last evaluated: 2023-11-11. Review status: criteria provided, single submitter. Criteria: GeneDx Variant Classification Process June 2021. Collection method: clinical testing. Allele origin: germline. Affected: yes.
Comment: Not observed at significant frequency in large population cohorts (gnomAD); In silico analysis supports that this missense variant has a deleterious effect on protein structure/function; This variant is associated with the following publications: (PMID: 31785789, 33504798)

NM_004606.5(TAF1):c.4270C>T (p.Arg1424Trp)

Gene: TAF1 (TATA-box binding protein associated factor 1; plus strand). Cytogenetic location: Xq13.1.
Variant type: single nucleotide variant.
Coding change: c.4270C>T on transcript NM_004606.5 (MANE Select); coding-DNA position 4270, C replaced by T.
Protein change: p.Arg1424Trp; replaces arginine 1424 with tryptophan.
Molecular consequence: missense variant. On other transcripts: non-coding transcript variant (9).
Genome position (GRCh38, 1-based): chrX:71,408,037, C>T. VCF-style: chrX-71408037-C-T. GRCh37 (hg19) VCF-style: chrX-70627887-C-T.
Other names: c.4270C>T, p.Arg1424Trp (NM_001286074.2); c.4207C>T, p.Arg1403Trp (NM_138923.4); short protein forms R1403W, R1424W.
Identifiers: ClinVar variation 3342317 (VCV003342317.1).
Genomic context (GRCh38, chrX:71,408,037, plus strand): 5'-TACCCTTTCCACACTCCAGTCAATGCAAAGGTTGTAAAGGACTACTACAAAATCATCACT[C>T]GGCCAATGGACCTACAAACACTCCGCGAAAACGTGCGTAAACGCCTCTACCCATCTCGGG-3'
Protein context (NP_004597.3, residues 1414-1434): VVKDYYKIIT[Arg1424Trp]PMDLQTLREN